The following is an entry in ClinVar:

ClinVar aggregate classification (germline): Uncertain significance (1 of 4 stars; one submission).

Conditions:
Congenital disorder of glycosylation, type Iw, autosomal dominant (CDG1WAD). Identifiers: MedGen C5562068, MONDO:0859223, OMIM 619714.

Submission:

Dasa
Classification: Uncertain significance for congenital disorder of glycosylation, type Iw, autosomal dominant. Last evaluated: 2026-01-28. Review status: criteria provided, single submitter. Criteria: DASA Assertion Criteria. Collection method: clinical testing. Allele origin: germline.
Comment: NM_152713.5(STT3A):c.1112T>C (p.Phe371Ser) is a missense variant that results in the substitution of phenylalanine with serine. This variant is absent from population databases. Computational prediction algorithms are consistent with a deleterious effect. The currently available literature and clinical evidence are not sufficient to establish a definitive association between this variant and the reported condition. Therefore, this variant is classified as a variant of uncertain significance.

NM_152713.5(STT3A):c.1112T>C (p.Phe371Ser)

Gene: STT3A (STT3 oligosaccharyltransferase complex catalytic subunit A; plus strand). Cytogenetic location: 11q24.2.
Variant type: single nucleotide variant.
Coding change: c.1112T>C on transcript NM_152713.5 (MANE Select); coding-DNA position 1112, T replaced by C.
Protein change: p.Phe371Ser; replaces phenylalanine 371 with serine.
Molecular consequence: missense variant.
Genome position (GRCh38, 1-based): chr11:125,609,584, T>C. VCF-style: chr11-125609584-T-C. GRCh37 (hg19) VCF-style: chr11-125479479-T-C.
Other names: c.1112T>C, p.Phe371Ser (NM_001278503.2); c.836T>C, p.Phe279Ser (NM_001278504.2); short protein forms F279S, F371S.
Identifiers: ClinVar variation 4882713 (VCV004882713.2).